The following is an entry in ClinVar:

ClinVar aggregate classification (germline): Conflicting classifications of pathogenicity. Review status: criteria provided, conflicting classifications (1 of 4 stars). 4 submissions from 4 submitters: Uncertain significance (2); Likely benign (2). Last evaluated 2025-06-23.

Conditions:
Inborn genetic diseases. Identifiers: MedGen C0950123, MeSH D030342.
COL18A1-related disorder. Also called: COL18A1-related condition; COL18A1-related disorders.

Allele frequency attached by ClinVar (database versions not stated): gnomAD 0.00002; gnomAD exomes 0.00002; TOPMed 0.00002; ExAC 0.00010.
gnomAD v4.1: 22 of 1,560,946 alleles (0.0014%); highest among the groups gnomAD compares: African/African-American, 0.0095%; no homozygotes.

Submissions (4):

PreventionGenetics, part of Exact Sciences
Classification: Uncertain significance for COL18A1-related condition. Last evaluated: 2025-06-23. Review status: criteria provided, single submitter. Criteria: ACMG Guidelines, 2015. Collection method: clinical testing. Allele origin: germline.
Comment: The COL18A1 c.1682C>T variant is predicted to result in the amino acid substitution p.Ala561Val. To our knowledge, this variant has not been reported in the literature. This variant is reported in 0.017% of alleles in individuals of African descent in gnomAD. At this time, the clinical significance of this variant is uncertain due to the absence of conclusive functional and genetic evidence.

Blueprint Genetics
Classification: Likely benign. Last evaluated: 2023-06-28. Review status: criteria provided, single submitter. Criteria: ACMG Guidelines, 2015. Collection method: clinical testing. Allele origin: germline.

Ambry Genetics
Classification: Likely benign for Inborn genetic diseases. Last evaluated: 2023-03-29. Review status: criteria provided, single submitter. Criteria: Ambry Variant Classification Scheme 2023. Collection method: clinical testing. Allele origin: germline.

Labcorp Genetics (formerly Invitae), Labcorp
Classification: Uncertain significance. Last evaluated: 2022-08-19. Review status: criteria provided, single submitter. Criteria: Invitae Variant Classification Sherloc (09022015). Collection method: clinical testing. Allele origin: germline.
Comment: This sequence change replaces alanine, which is neutral and non-polar, with valine, which is neutral and non-polar, at codon 381 of the COL18A1 protein (p.Ala381Val). The frequency data for this variant in the population databases is considered unreliable, as metrics indicate poor data quality at this position in the gnomAD database. This variant has not been reported in the literature in individuals affected with COL18A1-related conditions. ClinVar contains an entry for this variant (Variation ID: 1523402). Experimental studies and prediction algorithms are not available or were not evaluated, and the functional significance of this variant is currently unknown. In summary, the available evidence is currently insufficient to determine the role of this variant in disease. Therefore, it has been classified as a Variant of Uncertain Significance.

NM_001379500.1(COL18A1):c.1142C>T (p.Ala381Val)

Gene: COL18A1 (collagen type XVIII alpha 1 chain; plus strand). Cytogenetic location: 21q22.3.
Variant type: single nucleotide variant.
Coding change: c.1142C>T on transcript NM_001379500.1 (MANE Select); coding-DNA position 1142, C replaced by T.
Protein change: p.Ala381Val; replaces alanine 381 with valine.
Molecular consequence: missense variant.
Genome position (GRCh38, 1-based): chr21:45,477,886, C>T. VCF-style: chr21-45477886-C-T. GRCh37 (hg19) VCF-style: chr21-46897800-C-T.
Other names: NM_130445.2:c.1142C>T; c.1682C>T, p.Ala561Val (NM_030582.4); c.2387C>T, p.Ala796Val (NM_130444.3); c.1682C>T (NM_030582.3); short protein forms A381V, A561V, A796V.
Identifiers: ClinVar variation 1523402 (VCV001523402.6), dbSNP rs761673241, ClinGen allele CA10066083.